The following is an entry in ClinVar:

ClinVar aggregate classification (germline): Likely pathogenic (1 of 4 stars; one submission).

Conditions:
STX1B-related disorder. Also called: STX1B-related condition.

Submission:

PreventionGenetics, part of Exact Sciences
Classification: Likely pathogenic for STX1B-related condition. Last evaluated: 2025-11-26. Review status: criteria provided, single submitter. Criteria: ACMG Guidelines, 2015. Collection method: clinical testing. Allele origin: germline.
Comment: The STX1B c.102delA variant is predicted to result in a frameshift and premature protein termination (p.Glu34Aspfs*20). To our knowledge, this variant has not been reported in the literature or in a large population database (gnomAD), indicating this variant is rare. Frameshift variants in STX1B are expected to be pathogenic. This variant is interpreted as likely pathogenic.

NM_052874.5(STX1B):c.102del (p.Glu34fs)

Gene: STX1B (syntaxin 1B; minus strand). Cytogenetic location: 16p11.2.
Variant type: Deletion.
Coding change: c.102del on transcript NM_052874.5 (MANE Select); coding-DNA position 102, one base deleted (A; older notation c.102delA).
Protein change: p.Glu34fs; shifts the reading frame from glutamic acid 34.
Molecular consequence: frameshift variant.
Genome position (GRCh38, 1-based): chr16:31,001,532, T deleted on the plus strand (A on the coding strand, the reverse complement: STX1B is on the minus strand); the first of 2 consecutive T bases (chr16:31,001,532-31,001,533); deleting either gives the same sequence. VCF-style (leftmost placement, unchanged base first): chr16-31001531-GT-G. GRCh37 (hg19) VCF-style: chr16-31012852-GT-G.
Other names: short protein forms E34fs.
Identifiers: ClinVar variation 4994849 (VCV004994849.1).
Genomic context (GRCh38, chr16:31,001,531, plus strand): 5'-GGGCTGGGGCTGGGTGCTGGGGCTGGGGCTGGGGCTGGGGGCCTTGGAGGCCCATTACCT[GT>G]TCAAAGAACTCATCCATGAAGTGGTCCCGATCCACGTGGACCACCTCCTCTTCATCATCA-3'